The following is an entry in ClinVar:

ClinVar aggregate classification (germline): Uncertain significance (1 of 4 stars; one submission).

Conditions:
Hereditary cancer-predisposing syndrome. Also called: Neoplastic Syndromes, Hereditary; Tumor predisposition; Hereditary neoplastic syndrome; Hereditary Cancer Syndrome. Identifiers: Orphanet 140162, MedGen C0027672, MeSH D009386, MONDO:0015356.

Submission:

Ambry Genetics
Classification: Uncertain significance for Hereditary cancer-predisposing syndrome. Last evaluated: 2026-07-07. Review status: criteria provided, single submitter. Criteria: Ambry Variant Classification Scheme 2023. Collection method: clinical testing. Allele origin: germline.
Comment: The p.K78T variant (also known as c.233A>C), located in coding exon 3 of the SDHB gene, results from an A to C substitution at nucleotide position 233. The lysine at codon 78 is replaced by threonine, an amino acid with similar properties. This amino acid position is conserved. In addition, this alteration is predicted to be deleterious by in silico analysis. Based on the available evidence, the clinical significance of this variant remains unclear.

NM_003000.3(SDHB):c.233A>C (p.Lys78Thr)

Gene: SDHB (succinate dehydrogenase complex iron sulfur subunit B; minus strand). Cytogenetic location: 1p36.13.
Variant type: single nucleotide variant.
Coding change: c.233A>C on transcript NM_003000.3 (MANE Select); coding-DNA position 233, A replaced by C.
Protein change: p.Lys78Thr; replaces lysine 78 with threonine.
Molecular consequence: missense variant.
Genome position (GRCh38, 1-based): chr1:17,033,113, T>G on the plus strand (A>C on the coding strand, the complement: SDHB is on the minus strand). VCF-style: chr1-17033113-T-G. GRCh37 (hg19) VCF-style: chr1-17359608-T-G.
Other names: c.233A>C, p.Lys78Thr (NM_001407361.1); short protein forms K78T.
Identifiers: ClinVar variation 5029285 (VCV005029285.1).
Genomic context (GRCh38, chr1:17,033,113, plus strand): 5'-TGCTCACCTTCTCTGCATGATCTTCGGAAGGTCAAAGTAGAGTCAACTTCATTCTTAATC[T>G]TGATTAAAGCATCCAATACCATGGGGCCACATCTAACAAAGAAAAATATCCAGTGGTATT-3'
Protein context (NP_002991.2, residues 68-88): CGPMVLDALI[Lys78Thr]IKNEVDSTLT